The following is an entry in ClinVar:

NM_017780.4(CHD7):c.6997C>T (p.Pro2333Ser)

Gene: CHD7 (chromodomain helicase DNA binding protein 7; plus strand). Cytogenetic location: 8q12.2.
Variant type: single nucleotide variant.
Coding change: c.6997C>T on transcript NM_017780.4 (MANE Select); coding-DNA position 6997, C replaced by T.
Protein change: p.Pro2333Ser; replaces proline 2333 with serine.
Molecular consequence: missense variant. On other transcripts: intron variant (1).
Genome position (GRCh38, 1-based): chr8:60,856,035, C>T. VCF-style: chr8-60856035-C-T. GRCh37 (hg19) VCF-style: chr8-61768594-C-T.
Other names: c.1717-6194C>T (NM_001316690.1); short protein forms P2333S.
Identifiers: ClinVar variation 3832856 (VCV003832856.2).

ClinVar aggregate classification (germline): Uncertain significance (1 of 4 stars; one submission).

Conditions:
Inborn genetic diseases. Identifiers: MedGen C0950123, MeSH D030342.

Submission:

Ambry Genetics
Classification: Uncertain significance for Inborn genetic diseases. Last evaluated: 2025-06-24. Review status: criteria provided, single submitter. Criteria: Ambry Variant Classification Scheme 2023. Collection method: clinical testing. Allele origin: germline.
Comment: The c.6997C>T (p.P2333S) alteration is located in exon 33 (coding exon 32) of the CHD7 gene. This alteration results from a C to T substitution at nucleotide position 6997, causing the proline (P) at amino acid position 2333 to be replaced by a serine (S). This variant was not reported in population-based cohorts in the Genome Aggregation Database (gnomAD). This amino acid position is highly conserved in available vertebrate species. This alteration is predicted to be deleterious by in silico analysis. Based on insufficient or conflicting evidence, the clinical significance of this alteration remains unclear.